The following is an entry in ClinVar:

ClinVar aggregate classification (germline): Likely pathogenic (1 of 4 stars; one submission).

Conditions:
Cardiofaciocutaneous syndrome 3 (CFC3). Also called: MAP2K1-Related Cardiofaciocutaneous Syndrome. Identifiers: Orphanet 1340, MedGen C3809006, MONDO:0014113, OMIM 615279.

Submission:

MVZ Medizinische Genetik Mainz
Classification: Likely pathogenic for Cardiofaciocutaneous syndrome 3. Last evaluated: 2024-07-03. Review status: criteria provided, single submitter. Criteria: UK Practice Guidelines For Variant Classification V4 01 2020. Collection method: clinical testing. Allele origin: germline. Inheritance: Autosomal dominant inheritance. Affected: yes. Observed: 1 variant allele.
Comment: ACMG Criteria: PM1,PM2_SUP_MOD,PM6,PM4_SUP,PP3

NM_002755.4(MAP2K1):c.147_149dup (p.Leu50_Glu51insLeu)

Gene: MAP2K1 (mitogen-activated protein kinase kinase 1; plus strand). Cytogenetic location: 15q22.31.
Variant type: Duplication.
Coding change: c.147_149dup on transcript NM_002755.4 (MANE Select); coding-DNA positions 147 to 149, 3 bases duplicated (CCT; older notation c.147_149dupCCT).
Protein change: p.Leu50_Glu51insLeu.
Molecular consequence: inframe insertion.
Genome position (GRCh38, 1-based): chr15:66,435,093-66,435,095, CCT duplicated. VCF-style (leftmost placement, unchanged base first): chr15-66435092-G-GCCT. GRCh37 (hg19) VCF-style: chr15-66727430-G-GCCT.
Other names: c.81_83dup, p.Leu28_Glu29insLeu (NM_001411065.1).
Identifiers: ClinVar variation 3256896 (VCV003256896.1).
Genomic context (GRCh38, chr15:66,435,092, plus strand): 5'-ACTTGGAGGCCTTGCAGAAGAAGCTGGAGGAGCTAGAGCTTGATGAGCAGCAGCGAAAGC[G>GCCT]CCTTGAGGCCTTTCTTACCCAGAAGCAGAAGGTGGGAGAACTGAAGGATGACGACTTTGA-3'